The following is an entry in ClinVar:

NM_000038.6(APC):c.2038G>A (p.Ala680Thr)

Gene: APC (APC regulator of Wnt signaling pathway; plus strand). Cytogenetic location: 5q22.2.
Variant type: single nucleotide variant.
Coding change: c.2038G>A on transcript NM_000038.6 (MANE Select); coding-DNA position 2038, G replaced by A.
Protein change: p.Ala680Thr; replaces alanine 680 with threonine.
Molecular consequence: missense variant.
Genome position (GRCh38, 1-based): chr5:112,837,632, G>A. VCF-style: chr5-112837632-G-A. GRCh37 (hg19) VCF-style: chr5-112173329-G-A.
Other names: c.2038G>A, p.Ala680Thr (NM_001127510.3, NM_001354895.2); c.1984G>A, p.Ala662Thr (NM_001127511.3); c.2092G>A, p.Ala698Thr (NM_001354896.2); c.2068G>A, p.Ala690Thr (NM_001354897.2); c.1963G>A, p.Ala655Thr (NM_001354898.2); c.1954G>A, p.Ala652Thr (NM_001354899.2); c.1915G>A, p.Ala639Thr (NM_001354900.2); c.1861G>A, p.Ala621Thr (NM_001354901.2); and 5 more; short protein forms A397T, A520T, A554T, A579T, A589T, A621T, A639T, A652T.
Identifiers: ClinVar variation 999742 (VCV000999742.48), dbSNP rs1765096303, ClinGen allele CA16025776.
Genomic context (GRCh38, chr5:112,837,632, plus strand): 5'-AACTGTCTACAAACTTTATTACAACACTTAAAATCTCATAGTTTGACAATAGTCAGTAAT[G>A]CATGTGGAACTTTGTGGAATCTCTCAGCAAGAAATCCTAAAGACCAGGAAGCATTATGGG-3'
Protein context (NP_000029.2, residues 670-690): KSHSLTIVSN[Ala680Thr]CGTLWNLSAR

ClinVar aggregate classification (germline): Uncertain significance (1 of 4 stars; one submission).

Conditions:
Familial adenomatous polyposis 1 (FAP1). Also called: FAMILIAL ADENOMATOUS POLYPOSIS 1, ATTENUATED; POLYPOSIS, ADENOMATOUS INTESTINAL. Identifiers: MedGen C2713442, MONDO:0021056, OMIM 175100. Disease mechanism: loss of function.

Submission:

Labcorp Genetics (formerly Invitae), Labcorp
Classification: Uncertain significance for Familial adenomatous polyposis 1. Last evaluated: 2020-02-20. Review status: criteria provided, single submitter. Criteria: Invitae Variant Classification Sherloc (09022015). Collection method: clinical testing. Allele origin: germline.
Comment: This variant has not been reported in the literature in individuals with APC-related conditions. Algorithms developed to predict the effect of missense changes on protein structure and function are either unavailable or do not agree on the potential impact of this missense change (SIFT: "Deleterious"; PolyPhen-2: "Probably Damaging"; Align-GVGD: "Class C0"). In summary, the available evidence is currently insufficient to determine the role of this variant in disease. Therefore, it has been classified as a Variant of Uncertain Significance. This variant is not present in population databases (ExAC no frequency). This sequence change replaces alanine with threonine at codon 680 of the APC protein (p.Ala680Thr). The alanine residue is highly conserved and there is a small physicochemical difference between alanine and threonine.